The following is an entry in ClinVar:

ClinVar aggregate classification (germline): Uncertain significance. Review status: criteria provided, multiple submitters, no conflicts (2 of 4 stars). 2 submissions from 2 submitters: Uncertain significance (2). Last evaluated 2022-10-12.

Conditions:
Inborn genetic diseases. Identifiers: MedGen C0950123, MeSH D030342.
Bardet-Biedl syndrome (BBS). Identifiers: Orphanet 110, MedGen C0752166, MONDO:0015229.

Allele frequency attached by ClinVar (database versions not stated): TOPMed below 0.00001; gnomAD 0.00001; gnomAD exomes 0.00001.
gnomAD v4.1: 15 of 1,613,770 alleles (0.00093%); highest among the groups gnomAD compares: Non-Finnish European, 0.0013%; no homozygotes.

Submissions (2):

Ambry Genetics
Classification: Uncertain significance for Inborn genetic diseases. Last evaluated: 2022-10-12. Review status: criteria provided, single submitter. Criteria: Ambry Variant Classification Scheme 2023. Collection method: clinical testing. Allele origin: germline.

Labcorp Genetics (formerly Invitae), Labcorp
Classification: Uncertain significance for Bardet-Biedl syndrome. Last evaluated: 2022-03-10. Review status: criteria provided, single submitter. Criteria: Invitae Variant Classification Sherloc (09022015). Collection method: clinical testing. Allele origin: germline.
Comment: This sequence change replaces proline, which is neutral and non-polar, with arginine, which is basic and polar, at codon 270 of the TRIM32 protein (p.Pro270Arg). This variant is not present in population databases (gnomAD no frequency). This variant has not been reported in the literature in individuals affected with TRIM32-related conditions. Algorithms developed to predict the effect of missense changes on protein structure and function are either unavailable or do not agree on the potential impact of this missense change (SIFT: "Tolerated"; PolyPhen-2: "Possibly Damaging"; Align-GVGD: "Class C0"). In summary, the available evidence is currently insufficient to determine the role of this variant in disease. Therefore, it has been classified as a Variant of Uncertain Significance.

NM_012210.4(TRIM32):c.809C>G (p.Pro270Arg)

Genes: ASTN2 (astrotactin 2; minus strand), TRIM32 (tripartite motif containing 32; plus strand). Cytogenetic location: 9q33.1.
Variant type: single nucleotide variant.
Coding change: c.809C>G on transcript NM_012210.4 (MANE Select); coding-DNA position 809, C replaced by G.
Protein change: p.Pro270Arg; replaces proline 270 with arginine.
Molecular consequence: missense variant. On other transcripts: intron variant (3).
Genome position (GRCh38, 1-based): chr9:116,698,551, C>G. VCF-style: chr9-116698551-C-G. GRCh37 (hg19) VCF-style: chr9-119460830-C-G.
Other names: c.809C>G, p.Pro270Arg (NM_001099679.2, NM_001379048.1, NM_001379049.1 and 1 more transcripts); c.2653+27220G>C (NM_014010.5); c.2794+27220G>C (NM_001365069.1); c.2806+27220G>C (NM_001365068.1); short protein forms P270R.
Identifiers: ClinVar variation 1500507 (VCV001500507.6), dbSNP rs1861004120, ClinGen allele CA374649892.
Genomic context (GRCh38, chr9:116,698,551, plus strand): 5'-ATGTAGCACTACTGGAGGAGACAGCTGATGAGGAGGAGCCAGAGCTCACTGCCAGCTTGC[C>G]TCGGGAGCTCACCCTGCAAGATGTGGAGCTCCTTAAGGTAGGTCATGTTGGCCCCCTCCA-3'
Protein context (NP_036342.2, residues 260-280): EEEPELTASL[Pro270Arg]RELTLQDVEL